The following is an entry in ClinVar:

ClinVar aggregate classification (germline): Uncertain significance. Review status: criteria provided, multiple submitters, no conflicts (2 of 4 stars). 3 submissions from 3 submitters: Uncertain significance (3). Last evaluated 2026-02-13.

Conditions:
Microcephalic osteodysplastic primordial dwarfism type II (MOPD2). Also called: MOPD II; OSTEODYSPLASTIC PRIMORDIAL DWARFISM, TYPE II; Microcephalic osteodysplastic primordial dwarfism with tooth abnormalities. Identifiers: Orphanet 2637, MedGen C0432246, MONDO:0008872, OMIM 210720.
PCNT-related disorder. Also called: PCNT-related condition.
Inborn genetic diseases. Identifiers: MedGen C0950123, MeSH D030342.

Allele frequency attached by ClinVar (database versions not stated): gnomAD exomes 0.00001; ExAC 0.00002; gnomAD 0.00003; TOPMed 0.00007.
gnomAD v4.1: 12 of 1,612,310 alleles (0.00074%); highest among the groups gnomAD compares: African/African-American, 0.008%; no homozygotes.

Submissions (3):

PreventionGenetics, part of Exact Sciences
Classification: Uncertain significance for PCNT-related condition. Last evaluated: 2026-02-13. Review status: criteria provided, single submitter. Criteria: ACMG Guidelines, 2015. Collection method: clinical testing. Allele origin: germline.
Comment: The PCNT c.9673C>G variant is predicted to result in the amino acid substitution p.Leu3225Val. To our knowledge, this variant has not been reported in the literature. This variant is reported in 0.012% of alleles in individuals of African descent in gnomAD. At this time, the clinical significance of this variant is uncertain due to the absence of conclusive functional and genetic evidence.

Ambry Genetics
Classification: Uncertain significance for Inborn genetic diseases. Last evaluated: 2024-11-14. Review status: criteria provided, single submitter. Criteria: Ambry Variant Classification Scheme 2023. Collection method: clinical testing. Allele origin: germline.

Revvity Omics, Revvity
Classification: Uncertain significance for Microcephalic osteodysplastic primordial dwarfism type II. Last evaluated: 2021-01-22. Review status: criteria provided, single submitter. Criteria: ACMG Guidelines, 2015. Collection method: clinical testing. Allele origin: germline.

NM_006031.6(PCNT):c.9673C>G (p.Leu3225Val)

Gene: PCNT (pericentrin; plus strand). Cytogenetic location: 21q22.3.
Variant type: single nucleotide variant.
Coding change: c.9673C>G on transcript NM_006031.6 (MANE Select); coding-DNA position 9673, C replaced by G.
Protein change: p.Leu3225Val; replaces leucine 3225 with valine.
Molecular consequence: missense variant.
Genome position (GRCh38, 1-based): chr21:46,442,546, C>G. VCF-style: chr21-46442546-C-G. GRCh37 (hg19) VCF-style: chr21-47862459-C-G.
Other names: c.9082C>G, p.Leu3028Val (NM_001315529.2); short protein forms L3028V, L3225V.
Identifiers: ClinVar variation 2434616 (VCV002434616.6), dbSNP rs776671533, ClinGen allele CA10081411.
Genomic context (GRCh38, chr21:46,442,546, plus strand): 5'-TTTTTTTGTAGATTACGTTTTTTGGTTAAGAAATGGCAAGAAGTAGATCGGAAAGGAGCT[C>G]TGGCACAAGGCAAAGCCCCTCGCCCAGGTGGGACTCCAGCTGCTGTTGACCGCTGGACTC-3'
Protein context (NP_006022.3, residues 3215-3235): KWQEVDRKGA[Leu3225Val]AQGKAPRPGP